The following is an entry in ClinVar:

ClinVar aggregate classification (germline): Uncertain significance (1 of 4 stars; one submission).

gnomAD v4.1: 5 of 1,614,092 alleles (0.00031%); highest among the groups gnomAD compares: African/African-American, 0.0067%; no homozygotes.

Submission:

GeneDx
Classification: Uncertain significance. Last evaluated: 2024-05-07. Review status: criteria provided, single submitter. Criteria: GeneDx Variant Classification Process June 2021. Collection method: clinical testing. Allele origin: germline. Affected: yes.
Comment: In silico analysis indicates that this missense variant does not alter protein structure/function; Has not been previously published as pathogenic or benign to our knowledge

NM_001039141.3(TRIOBP):c.2530C>T (p.Leu844Phe)

Gene: TRIOBP (TRIO and F-actin binding protein; plus strand). Cytogenetic location: 22q13.1.
Variant type: single nucleotide variant.
Coding change: c.2530C>T on transcript NM_001039141.3 (MANE Select); coding-DNA position 2530, C replaced by T.
Protein change: p.Leu844Phe; replaces leucine 844 with phenylalanine.
Molecular consequence: missense variant.
Genome position (GRCh38, 1-based): chr22:37,725,086, C>T. VCF-style: chr22-37725086-C-T. GRCh37 (hg19) VCF-style: chr22-38121093-C-T.
Other names: short protein forms L844F.
Identifiers: ClinVar variation 3375514 (VCV003375514.1).